The following is an entry in ClinVar:

ClinVar aggregate classification (germline): Likely pathogenic. Review status: criteria provided, multiple submitters, no conflicts (2 of 4 stars). 2 submissions from 2 submitters: Likely pathogenic (2). Last evaluated 2025-02-14.

Conditions:
Inborn genetic diseases. Identifiers: MedGen C0950123, MeSH D030342.
Periventricular nodular heterotopia 8. Identifiers: MedGen C4748602, MONDO:0032588, OMIM 618185.

Submissions (2):

Ambry Genetics
Classification: Likely pathogenic for Inborn genetic diseases. Last evaluated: 2025-02-14. Review status: criteria provided, single submitter. Criteria: Ambry Variant Classification Scheme 2023. Collection method: clinical testing. Allele origin: germline.
Comment: The c.208G>A (p.G70S) alteration is located in exon 3 (coding exon 2) of the ARF1 gene. This alteration results from a G to A substitution at nucleotide position 208, causing the glycine (G) at amino acid position 70 to be replaced by a serine (S). This variant was not reported in population-based cohorts in the Genome Aggregation Database (gnomAD). This amino acid position is highly conserved in available vertebrate species. This missense alteration is located in a region that has a low rate of benign missense variation (Lek, 2016; Firth, 2009). This alteration is predicted to be deleterious by in silico analysis. Based on the available evidence, this alteration is classified as likely pathogenic.

3billion
Classification: Likely pathogenic for Periventricular nodular heterotopia 8. Last evaluated: 2023-08-11. Review status: criteria provided, single submitter. Criteria: ACMG Guidelines, 2015. Collection method: clinical testing. Allele origin: germline. Affected: yes.
Comment: The variant is not observed in the gnomAD v2.1.1 dataset. Predicted Consequence/Location: Missense changes are a common disease-causing mechanism. In silico tool predictions suggest damaging effect of the variant on gene or gene product [REVEL: 0.94 (>=0.6, sensitivity 0.68 and specificity 0.92); 3Cnet: 0.91 (>=0.6, sensitivity 0.72 and precision 0.9)]. Therefore, this variant is classified as Likely pathogenic according to the recommendation of ACMG/AMP guideline.

NM_001658.4(ARF1):c.208G>A (p.Gly70Ser)

Genes: ARF1 (ARF GTPase 1; plus strand), LOC126806039 (CDK7 strongly-dependent group 2 enhancer GRCh37_chr1:228284937-228286136; plus strand). Cytogenetic location: 1q42.13.
Variant type: single nucleotide variant.
Coding change: c.208G>A on transcript NM_001658.4 (MANE Select); coding-DNA position 208, G replaced by A.
Protein change: p.Gly70Ser; replaces glycine 70 with serine.
Molecular consequence: missense variant.
Genome position (GRCh38, 1-based): chr1:228,097,401, G>A. VCF-style: chr1-228097401-G-A. GRCh37 (hg19) VCF-style: chr1-228285102-G-A.
Other names: c.208G>A, p.Gly70Ser (NM_001024228.2, NM_001024226.2, NM_001024227.1); short protein forms G70S.
Identifiers: ClinVar variation 3420237 (VCV003420237.3).
Genomic context (GRCh38, chr1:228,097,401, plus strand): 5'-GGCTTCAACGTGGAAACCGTGGAGTACAAGAACATCAGCTTCACTGTGTGGGACGTGGGT[G>A]GCCAGGACAAGATCCGGCCCCTGTGGCGCCACTACTTCCAGAACACACAAGGTAAGTGGC-3'
Protein context (NP_001649.1, residues 60-80): NISFTVWDVG[Gly70Ser]QDKIRPLWRH